The following is an entry in ClinVar:

ClinVar aggregate classification (germline): Uncertain significance (1 of 4 stars; one submission).

Conditions:
Familial adenomatous polyposis 1 (FAP1). Also called: FAMILIAL ADENOMATOUS POLYPOSIS 1, ATTENUATED; POLYPOSIS, ADENOMATOUS INTESTINAL. Identifiers: MedGen C2713442, MONDO:0021056, OMIM 175100. Disease mechanism: loss of function.

Submission:

Labcorp Genetics (formerly Invitae), Labcorp
Classification: Uncertain significance for Familial adenomatous polyposis 1. Last evaluated: 2025-06-24. Review status: criteria provided, single submitter. Criteria: Invitae Variant Classification Sherloc (09022015). Collection method: clinical testing. Allele origin: germline.
Comment: This sequence change replaces phenylalanine, which is neutral and non-polar, with leucine, which is neutral and non-polar, at codon 1515 of the APC protein (p.Phe1515Leu). This variant is not present in population databases (gnomAD no frequency). This variant has not been reported in the literature in individuals affected with APC-related conditions. Invitae Evidence Modeling of protein sequence and biophysical properties (such as structural, functional, and spatial information, amino acid conservation, physicochemical variation, residue mobility, and thermodynamic stability) indicates that this missense variant is not expected to disrupt APC protein function with a negative predictive value of 95%. In summary, the available evidence is currently insufficient to determine the role of this variant in disease. Therefore, it has been classified as a Variant of Uncertain Significance.

NM_000038.6(APC):c.4545T>G (p.Phe1515Leu)

Gene: APC (APC regulator of Wnt signaling pathway; plus strand). Cytogenetic location: 5q22.2.
Variant type: single nucleotide variant.
Coding change: c.4545T>G on transcript NM_000038.6 (MANE Select); coding-DNA position 4545, T replaced by G.
Protein change: p.Phe1515Leu; replaces phenylalanine 1515 with leucine.
Molecular consequence: missense variant. On other transcripts: non-coding transcript variant (2).
Genome position (GRCh38, 1-based): chr5:112,840,139, T>G. VCF-style: chr5-112840139-T-G. GRCh37 (hg19) VCF-style: chr5-112175836-T-G.
Other names: c.4545T>G, p.Phe1515Leu (NM_001127510.3, NM_001354895.2, NM_001407450.1); c.4491T>G, p.Phe1497Leu (NM_001127511.3); c.4599T>G, p.Phe1533Leu (NM_001354896.2, NM_001407447.1, NM_001407448.1 and 1 more transcripts); c.4575T>G, p.Phe1525Leu (NM_001354897.2); c.4470T>G, p.Phe1490Leu (NM_001354898.2); c.4461T>G, p.Phe1487Leu (NM_001354899.2); c.4422T>G, p.Phe1474Leu (NM_001354900.2); c.4368T>G, p.Phe1456Leu (NM_001354901.2, NM_001407453.1); and 11 more; short protein forms F1131L, F1232L, F1355L, F1386L, F1389L, F1414L, F1424L, F1432L.
Identifiers: ClinVar variation 4808155 (VCV004808155.1).
Genomic context (GRCh38, chr5:112,840,139, plus strand): 5'-TACTCCAGATGGATTTTCTTGTTCATCCAGCCTGAGTGCTCTGAGCCTCGATGAGCCATT[T>G]ATACAGAAAGATGTGGAATTAAGAATAATGCCTCCAGTTCAGGAAAATGACAATGGGAAT-3'
Protein context (NP_000029.2, residues 1505-1525): SLSALSLDEP[Phe1515Leu]IQKDVELRIM